The following is an entry in ClinVar:

ClinVar aggregate classification (germline): Uncertain significance. Review status: criteria provided, multiple submitters, no conflicts (2 of 4 stars). 2 submissions from 2 submitters: Uncertain significance (2). Last evaluated 2025-06-17.

Conditions:
Cardiovascular phenotype. Identifiers: MedGen CN230736.
Brugada syndrome. Also called: Sudden unexplained nocturnal death syndrome; Sudden unexpected nocturnal death syndrome; Sudden Unexplained Death Syndrome; Sudden Unexplained Nocturnal Death Syndrome (SUNDS). Identifiers: Orphanet 130, MedGen C1142166, MONDO:0015263.

Submissions (2):

Labcorp Genetics (formerly Invitae), Labcorp
Classification: Uncertain significance for Brugada syndrome. Last evaluated: 2025-06-17. Review status: criteria provided, single submitter. Criteria: Invitae Variant Classification Sherloc (09022015). Collection method: clinical testing. Allele origin: germline.
Comment: This sequence change replaces isoleucine, which is neutral and non-polar, with threonine, which is neutral and polar, at codon 411 of the SCN10A protein (p.Ile411Thr). This variant is not present in population databases (gnomAD no frequency). This variant has not been reported in the literature in individuals affected with SCN10A-related conditions. ClinVar contains an entry for this variant (Variation ID: 3793140). Invitae Evidence Modeling of protein sequence and biophysical properties (such as structural, functional, and spatial information, amino acid conservation, physicochemical variation, residue mobility, and thermodynamic stability) indicates that this missense variant is not expected to disrupt SCN10A protein function with a negative predictive value of 80%. In summary, the available evidence is currently insufficient to determine the role of this variant in disease. Therefore, it has been classified as a Variant of Uncertain Significance.

Ambry Genetics
Classification: Uncertain significance for Cardiovascular phenotype. Last evaluated: 2025-01-16. Review status: criteria provided, single submitter. Criteria: Ambry Variant Classification Scheme 2023. Collection method: clinical testing. Allele origin: germline.
Comment: The p.I411T variant (also known as c.1232T>C), located in coding exon 9 of the SCN10A gene, results from a T to C substitution at nucleotide position 1232. The isoleucine at codon 411 is replaced by threonine, an amino acid with similar properties. This amino acid position is conserved. In addition, this alteration is predicted to be tolerated by in silico analysis. Based on the available evidence, the clinical significance of this variant remains unclear.

NM_006514.4(SCN10A):c.1232T>C (p.Ile411Thr)

Gene: SCN10A (sodium voltage-gated channel alpha subunit 10; minus strand). Cytogenetic location: 3p22.2.
Variant type: single nucleotide variant.
Coding change: c.1232T>C on transcript NM_006514.4 (MANE Select); coding-DNA position 1232, T replaced by C.
Protein change: p.Ile411Thr; replaces isoleucine 411 with threonine.
Molecular consequence: missense variant.
Genome position (GRCh38, 1-based): chr3:38,756,732, A>G on the plus strand (T>C on the coding strand, the complement: SCN10A is on the minus strand). VCF-style: chr3-38756732-A-G. GRCh37 (hg19) VCF-style: chr3-38798223-A-G.
Other names: c.1232T>C, p.Ile411Thr (NM_001293306.2, NM_001293307.2); short protein forms I411T.
Identifiers: ClinVar variation 3793140 (VCV003793140.2).